The following is an entry in ClinVar:

ClinVar aggregate classification (germline): Conflicting classifications of pathogenicity. Review status: criteria provided, conflicting classifications (1 of 4 stars). 2 submissions from 2 submitters: Uncertain significance (1); Likely benign (1). Last evaluated 2025-10-06.

Conditions:
Hereditary spastic paraplegia 30. Identifiers: Orphanet 101010, MedGen C5235139, MONDO:0012476.
Neuropathy, hereditary sensory, type 2C. Also called: Hereditary sensory and autonomic neuropathy type IIC; KIF1A-Related HSAN2 (HSAN2C). Identifiers: Orphanet 970, MedGen C3280168, MONDO:0013634, OMIM 614213.
Intellectual disability, autosomal dominant 9 (NESCAVS). Also called: NESCAV SYNDROME; KIF1A-Related Neurodevelopmental Disorder. Identifiers: Orphanet 662367, MedGen C5393830, MONDO:0013656, OMIM 614255.

Allele frequency attached by ClinVar (database versions not stated): gnomAD exomes 0.00001; gnomAD 0.00001; TOPMed 0.00001; ExAC 0.00001.

Submissions (2):

Dasa
Classification: Uncertain significance. Last evaluated: 2025-10-06. Review status: criteria provided, single submitter. Criteria: DASA Assertion Criteria. Collection method: clinical testing. Allele origin: germline.
Comment: NM_001244008.2(KIF1A):c.3560C>T (p.Pro1187Leu) is a missense variant that results in the substitution of proline with leucine. This variant is rare in population databases. The currently available literature and clinical evidence are not sufficient to establish a definitive association between this variant and the reported condition. Therefore, this variant is classified as a variant of uncertain significance.

Labcorp Genetics (formerly Invitae), Labcorp
Classification: Likely benign for Hereditary spastic paraplegia 30; Neuropathy, hereditary sensory, type 2C; Intellectual disability, autosomal dominant 9. Last evaluated: 2025-02-24. Review status: criteria provided, single submitter. Criteria: Invitae Variant Classification Sherloc (09022015). Collection method: clinical testing. Allele origin: germline.

NM_001244008.2(KIF1A):c.3560C>T (p.Pro1187Leu)

Gene: KIF1A (kinesin family member 1A; minus strand). Cytogenetic location: 2q37.3.
Variant type: single nucleotide variant.
Coding change: c.3560C>T on transcript NM_001244008.2 (MANE Select); coding-DNA position 3560, C replaced by T.
Protein change: p.Pro1187Leu; replaces proline 1187 with leucine.
Molecular consequence: missense variant.
Genome position (GRCh38, 1-based): chr2:240,743,966, G>A on the plus strand (C>T on the coding strand, the complement: KIF1A is on the minus strand). VCF-style: chr2-240743966-G-A. GRCh37 (hg19) VCF-style: chr2-241683383-G-A.
Other names: c.3284C>T, p.Pro1095Leu (NM_001320705.2, NM_001330289.2, NM_001379638.1); c.3359C>T, p.Pro1120Leu (NM_001330290.2, NM_001379634.1, NM_001379635.1 and 1 more transcripts); c.3635C>T, p.Pro1212Leu (NM_001379631.1); c.3509C>T, p.Pro1170Leu (NM_001379632.1); c.3533C>T, p.Pro1178Leu (NM_001379633.1, NM_001379642.1, NM_001379645.1); c.3257C>T, p.Pro1086Leu (NM_001379636.1, NM_001379639.1, NM_001379641.1 and 6 more transcripts); c.3332C>T, p.Pro1111Leu (NM_001379637.1, NM_001379648.1); c.3254C>T, p.Pro1085Leu (NM_001379640.1); short protein forms P1085L, P1086L, P1095L, P1170L, P1187L, P1212L, P1120L, P1111L.
Identifiers: ClinVar variation 2151055 (VCV002151055.6), dbSNP rs767087227, ClinGen allele CA2207777.